The following is an entry in ClinVar:

ClinVar aggregate classification (germline): Uncertain significance (1 of 4 stars; one submission).

Conditions:
Inborn genetic diseases. Identifiers: MedGen C0950123, MeSH D030342.

Submission:

Ambry Genetics
Classification: Uncertain significance for Inborn genetic diseases. Last evaluated: 2025-02-09. Review status: criteria provided, single submitter. Criteria: Ambry Variant Classification Scheme 2023. Collection method: clinical testing. Allele origin: germline.
Comment: The p.E929G variant (also known as c.2786A>G), located in coding exon 13 of the ASXL1 gene, results from an A to G substitution at nucleotide position 2786. The glutamic acid at codon 929 is replaced by glycine, an amino acid with similar properties. This amino acid position is conserved. In addition, this alteration is predicted to be tolerated by in silico analysis. Based on the available evidence, the clinical significance of this variant remains unclear.

NM_015338.6(ASXL1):c.2786A>G (p.Glu929Gly)

Gene: ASXL1 (ASXL transcriptional regulator 1; plus strand). Cytogenetic location: 20q11.21.
Variant type: single nucleotide variant.
Coding change: c.2786A>G on transcript NM_015338.6 (MANE Select); coding-DNA position 2786, A replaced by G.
Protein change: p.Glu929Gly; replaces glutamic acid 929 with glycine.
Molecular consequence: missense variant.
Genome position (GRCh38, 1-based): chr20:32,435,498, A>G. VCF-style: chr20-32435498-A-G. GRCh37 (hg19) VCF-style: chr20-31023301-A-G.
Other names: c.2603A>G, p.Glu868Gly (NM_001363734.1); short protein forms E868G, E929G.
Identifiers: ClinVar variation 3793344 (VCV003793344.1).
Genomic context (GRCh38, chr20:32,435,498, plus strand): 5'-AACAGCCCAAACCAGAATCCAGAGAACACATACCATCTGTTGAGCCCCAGGTTGGAGAGG[A>G]GTGGGAGAAAGCTGCTCCCACCCCTCCTGCATTGCCTGGGGATTTGACAGCTGAGGAGGG-3'
Protein context (NP_056153.2, residues 919-939): IPSVEPQVGE[Glu929Gly]WEKAAPTPPA